The following is an entry in ClinVar:

ClinVar aggregate classification (germline): Pathogenic. Review status: criteria provided, multiple submitters, no conflicts (2 of 4 stars). 5 submissions from 5 submitters: Pathogenic (4). 1 of the submissions does not count toward it. Last evaluated 2025-05-02.

Conditions:
Familial hypokalemia-hypomagnesemia (GTLMNS). Also called: HYPOMAGNESEMIA-HYPOKALEMIA, PRIMARY RENOTUBULAR, WITH HYPOCALCIURIA; gitelman syndrome; POTASSIUM AND MAGNESIUM DEPLETION. Identifiers: Orphanet 358, MedGen C0268450, MONDO:0009904, OMIM 263800.

Allele frequency attached by ClinVar (database versions not stated): TOPMed 0.00001; gnomAD exomes 0.00001.

Submissions (5):

Natera, Inc.
Classification: Pathogenic for Gitelman syndrome. Last evaluated: 2025-05-02. Review status: criteria provided, single submitter. Criteria: Natera Variant Classification Schema (03/2026). Collection method: clinical testing. Allele origin: germline.
Comment: The c.625C>T variant in SLC12A3 is a missense variant predicted to cause substitution of arginine to tryptophan at amino acid 209. This variant is rare in the general population with a frequency below the threshold expected for the associated phenotype(s). This variant has been observed in one or more individuals affected with the associated recessive disease, as either homozygous or compound heterozygous with a second variant (PMID: 17699451, 31285285, 31672324). Computational prediction algorithms indicate this variant is likely to affect gene or protein function. Given the available evidence, this variant is classified as Pathogenic.

Labcorp Genetics (formerly Invitae), Labcorp
Classification: Pathogenic. Last evaluated: 2024-09-18. Review status: criteria provided, single submitter. Criteria: Invitae Variant Classification Sherloc (09022015). Collection method: clinical testing. Allele origin: germline.
Comment: This sequence change replaces arginine, which is basic and polar, with tryptophan, which is neutral and slightly polar, at codon 209 of the SLC12A3 protein (p.Arg209Trp). This variant is present in population databases (rs28936388, gnomAD 0.003%). This missense change has been observed in individual(s) with clinical features of Gitelman syndrome (PMID: 8528245, 31672324). In at least one individual the data is consistent with being in trans (on the opposite chromosome) from a pathogenic variant. It has also been observed to segregate with disease in related individuals. ClinVar contains an entry for this variant (Variation ID: 8586). Invitae Evidence Modeling of protein sequence and biophysical properties (such as structural, functional, and spatial information, amino acid conservation, physicochemical variation, residue mobility, and thermodynamic stability) indicates that this missense variant is expected to disrupt SLC12A3 protein function with a positive predictive value of 95%. Experimental studies have shown that this missense change affects SLC12A3 function (PMID: 10516289). This variant disrupts the p.Arg209 amino acid residue in SLC12A3. Other variant(s) that disrupt this residue have been determined to be pathogenic (PMID: 11168953, 21415153, 23328711). This suggests that this residue is clinically significant, and that variants that disrupt this residue are likely to be disease-causing. For these reasons, this variant has been classified as Pathogenic.

Fulgent Genetics
Classification: Pathogenic for Familial hypokalemia-hypomagnesemia. Last evaluated: 2024-01-09. Review status: criteria provided, single submitter. Criteria: ACMG Guidelines, 2015. Collection method: clinical testing. Allele origin: germline.

European Hospital Georges Pompidou Genetics Department, Assistance Publique - Hôpitaux de Paris AP-HP
Classification: Pathogenic for Familial hypokalemia-hypomagnesemia. Last evaluated: 2022-04-27. Review status: criteria provided, single submitter. Criteria: ACMG Guidelines, 2015. Collection method: clinical testing. Allele origin: germline. Affected: yes.
Comment: ACMG criteria used:PS4 PM1 PM2 PM3 PP3

OMIM
Classification: Pathogenic for GITELMAN SYNDROME. Last evaluated: 1996-01-01. Review status: no assertion criteria provided. Collection method: literature only. Allele origin: germline. Not counted in ClinVar's aggregate classification.

Literature cited by the submitters: PubMed 17699451 (cited by Natera, Inc.); PubMed 31285285 (cited by Natera, Inc.); PubMed 31672324 (cited by Natera, Inc. and Labcorp Genetics (formerly Invitae), Labcorp); PubMed 8528245 (cited by Labcorp Genetics (formerly Invitae), Labcorp and OMIM); PubMed 10516289 (cited by Labcorp Genetics (formerly Invitae), Labcorp); PubMed 11168953 (cited by Labcorp Genetics (formerly Invitae), Labcorp); PubMed 21415153 (cited by Labcorp Genetics (formerly Invitae), Labcorp); PubMed 23328711 (cited by Labcorp Genetics (formerly Invitae), Labcorp).

NM_001126108.2(SLC12A3):c.625C>T (p.Arg209Trp)

Gene: SLC12A3 (solute carrier family 12 member 3; plus strand). Cytogenetic location: 16q13.
Variant type: single nucleotide variant.
Coding change: c.625C>T on transcript NM_001126108.2 (MANE Select); coding-DNA position 625, C replaced by T.
Protein change: p.Arg209Trp; replaces arginine 209 with tryptophan.
Molecular consequence: missense variant.
Genome position (GRCh38, 1-based): chr16:56,870,119, C>T. VCF-style: chr16-56870119-C-T. GRCh37 (hg19) VCF-style: chr16-56904031-C-T.
Other names: c.625C>T (NM_000339.2); c.625C>T, p.Arg209Trp (NM_000339.3); c.622C>T, p.Arg208Trp (NM_001126107.2); short protein forms R209W, R208W.
Identifiers: ClinVar variation 8586 (VCV000008586.11), dbSNP rs28936388, ClinGen allele CA119768.
Genomic context (GRCh38, chr16:56,870,119, plus strand): 5'-TCATCTGGTTTCATGGTTCCCGGCTCTGCCCTGATAGGTGGCACCTACTTCCTCATCTCC[C>T]GGAGTCTGGGCCCAGAGCTTGGGGGCTCCATCGGCCTCATTTTCGCTTTCGCCAATGCCG-3'
Protein context (NP_001119580.2, residues 199-219): KSGGTYFLIS[Arg209Trp]SLGPELGGSI